The following is an entry in ClinVar:

ClinVar aggregate classification (germline): Uncertain significance (1 of 4 stars; one submission).

Conditions:
Primary pulmonary hypertension. Also called: Idiopathic pulmonary hypertension. Identifiers: MedGen C0152171.

Submission:

Labcorp Genetics (formerly Invitae), Labcorp
Classification: Uncertain significance for Primary pulmonary hypertension. Last evaluated: 2017-05-03. Review status: criteria provided, single submitter. Criteria: Invitae Variant Classification Sherloc (09022015). Collection method: clinical testing. Allele origin: germline.
Comment: This sequence change replaces glycine with arginine at codon 426 of the BMPR2 protein (p.Gly426Arg). The glycine residue is highly conserved and there is a moderate physicochemical difference between glycine and arginine. This variant also falls at the last nucleotide of exon 9 of the BMPR2 coding sequence, which is part of the consensus splice site for this exon. Nucleotide substitutions within the consensus splice site are relatively common causes of aberrant splicing (PMID: 17576681, 9536098). Algorithms developed to predict the effect of nucleotide changes on RNA splicing suggest that this variant may alter RNA splicing, but this prediction has not been confirmed by published transcriptional studies. In summary, this variant is a novel missense change with uncertain impact on protein function. It has been classified as a Variant of Uncertain Significance. Algorithms developed to predict the effect of missense changes on protein structure and function (SIFT, PolyPhen-2, Align-GVGD) all suggest that this variant is likely to be disruptive, but these predictions have not been confirmed by published functional studies. This variant is not present in population databases (ExAC no frequency) and has not been reported in the literature in individuals with a BMPR2-related disease. However, a different variant affecting the same nucleotide and resulting in the same amino acid change (c.1276G>C (p.Gly426Arg)) has been reported in the literature in an individual affected with heritable pulmonary arterial hypertension (PMID: 26387786).

Literature cited by the submitters: PubMed 17576681; PubMed 9536098; PubMed 26387786.

NM_001204.7(BMPR2):c.1276G>A (p.Gly426Arg)

Gene: BMPR2 (bone morphogenetic protein receptor type 2; plus strand). Cytogenetic location: 2q33.2.
Variant type: single nucleotide variant.
Coding change: c.1276G>A on transcript NM_001204.7 (MANE Select); coding-DNA position 1276, G replaced by A.
Protein change: p.Gly426Arg; replaces glycine 426 with arginine.
Molecular consequence: missense variant.
Genome position (GRCh38, 1-based): chr2:202,532,732, G>A. VCF-style: chr2-202532732-G-A. GRCh37 (hg19) VCF-style: chr2-203397455-G-A.
Other names: c.1276G>A (LRG_712t1); short protein forms G426R.
Identifiers: ClinVar variation 458625 (VCV000458625.10), dbSNP rs869025367, ClinGen allele CA350342016.